The following is an entry in ClinVar:

NM_080473.5(GATA5):c.1014C>A (p.Cys338Ter)

Gene: GATA5 (GATA binding protein 5; minus strand). Cytogenetic location: 20q13.33.
Variant type: single nucleotide variant.
Coding change: c.1014C>A on transcript NM_080473.5 (MANE Select); coding-DNA position 1014, C replaced by A.
Protein change: p.Cys338Ter; replaces cysteine 338 with a stop codon.
Molecular consequence: nonsense.
Genome position (GRCh38, 1-based): chr20:62,465,364, G>T on the plus strand (C>A on the coding strand, the complement: GATA5 is on the minus strand). VCF-style: chr20-62465364-G-T. GRCh37 (hg19) VCF-style: chr20-61040420-G-T.
Other names: short protein forms C338*.
Identifiers: ClinVar variation 2133423 (VCV002133423.4), dbSNP rs1555895950, ClinGen allele CA409552227.

ClinVar aggregate classification (germline): Uncertain significance (1 of 4 stars; one submission).

Submission:

Labcorp Genetics (formerly Invitae), Labcorp
Classification: Uncertain significance. Last evaluated: 2022-05-04. Review status: criteria provided, single submitter. Criteria: Invitae Variant Classification Sherloc (09022015). Collection method: clinical testing. Allele origin: germline.
Comment: In summary, the available evidence is currently insufficient to determine the role of this variant in disease. Therefore, it has been classified as a Variant of Uncertain Significance. This variant has not been reported in the literature in individuals affected with GATA5-related conditions. This variant is not present in population databases (gnomAD no frequency). This sequence change creates a premature translational stop signal (p.Cys338*) in the GATA5 gene. While this is not anticipated to result in nonsense mediated decay, it is expected to disrupt the last 60 amino acid(s) of the GATA5 protein.